The following is an entry in ClinVar:

ClinVar aggregate classification (germline): Uncertain significance. Review status: criteria provided, multiple submitters, no conflicts (2 of 4 stars). 2 submissions from 2 submitters: Uncertain significance (2). Last evaluated 2024-04-25.

Conditions:
Primary ciliary dyskinesia. Also called: Ciliary dyskinesia. Identifiers: Orphanet 244, MedGen C0008780, MONDO:0016575, HP:0012265.

Allele frequency attached by ClinVar (database versions not stated): gnomAD 0.00001; TOPMed 0.00001.
gnomAD v4.1: 23 of 1,613,740 alleles (0.0014%); highest among the groups gnomAD compares: Non-Finnish European, 0.0019%; no homozygotes.

Submissions (2):

Ambry Genetics
Classification: Uncertain significance for Primary ciliary dyskinesia. Last evaluated: 2024-04-25. Review status: criteria provided, single submitter. Criteria: Ambry Variant Classification Scheme 2023. Collection method: clinical testing. Allele origin: germline.
Comment: The p.D1811E variant (also known as c.5433C>A), located in coding exon 31 of the DNAH11 gene, results from a C to A substitution at nucleotide position 5433. The aspartic acid at codon 1811 is replaced by glutamic acid, an amino acid with highly similar properties. This amino acid position is conserved. In addition, the in silico prediction for this alteration is inconclusive. Based on the available evidence, the clinical significance of this variant remains unclear.

Labcorp Genetics (formerly Invitae), Labcorp
Classification: Uncertain significance for Primary ciliary dyskinesia. Last evaluated: 2023-02-14. Review status: criteria provided, single submitter. Criteria: Invitae Variant Classification Sherloc (09022015). Collection method: clinical testing. Allele origin: germline.
Comment: This sequence change replaces aspartic acid, which is acidic and polar, with glutamic acid, which is acidic and polar, at codon 1811 of the DNAH11 protein (p.Asp1811Glu). In summary, the available evidence is currently insufficient to determine the role of this variant in disease. Therefore, it has been classified as a Variant of Uncertain Significance. Advanced modeling of protein sequence and biophysical properties (such as structural, functional, and spatial information, amino acid conservation, physicochemical variation, residue mobility, and thermodynamic stability) performed at Invitae indicates that this missense variant is not expected to disrupt DNAH11 protein function. This variant has not been reported in the literature in individuals affected with DNAH11-related conditions. This variant is not present in population databases (gnomAD no frequency).

NM_001277115.2(DNAH11):c.5433C>A (p.Asp1811Glu)

Gene: DNAH11 (dynein axonemal heavy chain 11; plus strand). Cytogenetic location: 7p15.3.
Variant type: single nucleotide variant.
Coding change: c.5433C>A on transcript NM_001277115.2 (MANE Select); coding-DNA position 5433, C replaced by A.
Protein change: p.Asp1811Glu; replaces aspartic acid 1811 with glutamic acid.
Molecular consequence: missense variant.
Genome position (GRCh38, 1-based): chr7:21,681,650, C>A. VCF-style: chr7-21681650-C-A. GRCh37 (hg19) VCF-style: chr7-21721268-C-A.
Other names: c.5433C>A (NM_001277115.1); c.5448C>A, p.Asp1816Glu (NM_003777.3); short protein forms D1816E, D1811E.
Identifiers: ClinVar variation 2919435 (VCV002919435.3), dbSNP rs761154725, ClinGen allele CA155110567.